The following is an entry in ClinVar:

NM_000284.4(PDHA1):c.868C>T (p.His290Tyr)

Gene: PDHA1 (pyruvate dehydrogenase E1 subunit alpha 1; plus strand). Cytogenetic location: Xp22.12.
Variant type: single nucleotide variant.
Coding change: c.868C>T on transcript NM_000284.4 (MANE Select); coding-DNA position 868, C replaced by T.
Protein change: p.His290Tyr; replaces histidine 290 with tyrosine.
Molecular consequence: missense variant.
Genome position (GRCh38, 1-based): chrX:19,357,688, C>T. VCF-style: chrX-19357688-C-T. GRCh37 (hg19) VCF-style: chrX-19375806-C-T.
Other names: c.982C>T, p.His328Tyr (NM_001173454.2); c.889C>T, p.His297Tyr (NM_001173455.2); c.775C>T, p.His259Tyr (NM_001173456.2); c.868C>T (NM_000284.3); short protein forms H259Y, H290Y, H297Y, H328Y.
Identifiers: ClinVar variation 1325820 (VCV001325820.2), dbSNP rs2147184502, ClinGen allele CA412395214.

ClinVar aggregate classification (germline): Likely pathogenic. Review status: criteria provided, single submitter (1 of 4 stars). 2 submissions from 2 submitters: Likely pathogenic (1). 1 of the submissions does not count toward it. Last evaluated 2021-11-04.

Conditions:
Pyruvate dehydrogenase E1-alpha deficiency (PDHAD). Also called: ATAXIA, INTERMITTENT, WITH PYRUVATE DEHYDROGENASE DEFICIENCY; ATAXIA WITH LACTIC ACIDOSIS I; ATAXIA, INTERMITTENT, WITH ABNORMAL PYRUVATE METABOLISM; Ataxia, intermittent, with pyruvate dehydrogenase, or decarboxylase, deficiency. Identifiers: Orphanet 79243, MedGen C1839413, MONDO:0010717, OMIM 312170.

Submissions (2):

Institute of Human Genetics, University of Leipzig Medical Center
Classification: Likely pathogenic for Pyruvate dehydrogenase E1-alpha deficiency. Last evaluated: 2021-11-04. Review status: criteria provided, single submitter. Criteria: ACMG Guidelines, 2015. Collection method: clinical testing. Allele origin: de novo. Affected: yes.
Comment: This variant was identified as de novo (maternity and paternity confirmed)._x000D_ Criteria applied: PS2_MOD, PM1, PM2_SUP, PP3

PDHA1 Study Group, University Children’s Hospital, Paracelsus Medical University
Classification: Pathogenic for Pyruvate dehydrogenase E1-alpha deficiency. Last evaluated: 2024-10-15. Review status: no assertion criteria provided. Collection method: research. Allele origin: germline. Affected: yes. Observed: 1 variant allele. Not counted in ClinVar's aggregate classification.
Comment: The NM_000284.3:c.868C>T (p.His290Tyr) substitution is a missense variant in PDHA1 gene. Last literature search: July 12, 2024. This variant is absent or extremely rare in population-based cohorts in the Genome Aggregation Database (gnomAD). Individuals harboring this variant presented with clinical features compatible with PDHA1-related PDHc deficiency. In summary, this variant meets criteria to be classified as pathogenic (P) for PDHA1-related PDHc deficiency based on the ACMG/AMP criteria applied: PS3, PM1, PM2, PM7, PP3 (last assessment October 15, 2024).

Literature cited by the submitters: DOI 10.1093/brain/awaf430 (cited by PDHA1 Study Group, University Children’s Hospital, Paracelsus Medical University).